The following is an entry in ClinVar:

ClinVar aggregate classification (germline): Uncertain significance (1 of 4 stars; one submission).

Conditions:
Hematuria, benign familial, 1 (BFH1). Also called: THIN MEMBRANE NEPHROPATHY. Identifiers: MedGen CN376803, MONDO:0007709, OMIM 141200.
Autosomal recessive Alport syndrome (ATS2). Also called: ALPORT SYNDROME 2, AUTOSOMAL RECESSIVE; COL4A3-Related Nephropathy; COL4A4 Alport Syndrome and Thin Basement Membrane Nephropathy; Alport syndrome type 2. Identifiers: Orphanet 63, Orphanet 88919, MedGen C4746745, MONDO:0008762, OMIM 203780.

Submission:

Juno Genomics, Hangzhou Juno Genomics, Inc
Classification: Uncertain significance for Autosomal recessive Alport syndrome; Hematuria, benign familial, 1. Review status: criteria provided, single submitter. Criteria: ACMG Guidelines, 2015. Collection method: clinical testing. Allele origin: germline. Affected: yes.
Comment: Absent from controls (or at extremely low frequency if recessive) in Genome Aggregation Database.;Multiple lines of computational evidence support a deleterious effect on the gene or gene product.

NM_000092.5(COL4A4):c.1126G>A (p.Gly376Ser)

Gene: COL4A4 (collagen type IV alpha 4 chain; minus strand). Cytogenetic location: 2q36.3.
Variant type: single nucleotide variant.
Coding change: c.1126G>A on transcript NM_000092.5 (MANE Select); coding-DNA position 1126, G replaced by A.
Protein change: p.Gly376Ser; replaces glycine 376 with serine.
Molecular consequence: missense variant.
Genome position (GRCh38, 1-based): chr2:227,098,772, C>T on the plus strand (G>A on the coding strand, the complement: COL4A4 is on the minus strand). VCF-style: chr2-227098772-C-T. GRCh37 (hg19) VCF-style: chr2-227963488-C-T.
Other names: short protein forms G376S.
Identifiers: ClinVar variation 5019157 (VCV005019157.1).